The following is an entry in ClinVar:

ClinVar aggregate classification (germline): Uncertain significance (1 of 4 stars; one submission).

gnomAD v4.1: 43 of 1,613,672 alleles (0.0027%); highest among the groups gnomAD compares: African/African-American, 0.019%; no homozygotes.

Submission:

Labcorp Genetics (formerly Invitae), Labcorp
Classification: Uncertain significance. Last evaluated: 2025-09-08. Review status: criteria provided, single submitter. Criteria: Invitae Variant Classification Sherloc (09022015). Collection method: clinical testing. Allele origin: germline.
Comment: This sequence change replaces arginine, which is basic and polar, with cysteine, which is neutral and slightly polar, at codon 384 of the CDK5RAP2 protein (p.Arg384Cys). This variant is present in population databases (rs543446600, gnomAD 0.03%). This variant has not been reported in the literature in individuals affected with CDK5RAP2-related conditions. An algorithm developed to predict the effect of missense changes on protein structure and function (PolyPhen-2) suggests that this variant is likely to be disruptive. In summary, the available evidence is currently insufficient to determine the role of this variant in disease. Therefore, it has been classified as a Variant of Uncertain Significance.

NM_018249.6(CDK5RAP2):c.1150C>T (p.Arg384Cys)

Gene: CDK5RAP2 (CDK5 regulatory subunit associated protein 2; minus strand). Cytogenetic location: 9q33.2.
Variant type: single nucleotide variant.
Coding change: c.1150C>T on transcript NM_018249.6 (MANE Select); coding-DNA position 1150, C replaced by T.
Protein change: p.Arg384Cys; replaces arginine 384 with cysteine.
Molecular consequence: missense variant. On other transcripts: non-coding transcript variant (5).
Genome position (GRCh38, 1-based): chr9:120,518,588, G>A on the plus strand (C>T on the coding strand, the complement: CDK5RAP2 is on the minus strand). VCF-style: chr9-120518588-G-A. GRCh37 (hg19) VCF-style: chr9-123280866-G-A.
Other names: c.1150C>T, p.Arg384Cys (NM_001011649.3, NM_001272039.2, NM_001410992.1 and 2 more transcripts); short protein forms R384C.
Identifiers: ClinVar variation 4706994 (VCV004706994.1).
Genomic context (GRCh38, chr9:120,518,588, plus strand): 5'-TCTTCTTAATGCTTCTACGCAGTCTGTGGTTCTCTGTACTCTTGGTGAGGTTTTGTGAGC[G>A]CAGCGCAGCCGAAAGGGCTTCCTTTCCTGATAGAGCAGTCTCATAGTCTTCAGACCCCTA-3'
Protein context (NP_060719.4, residues 374-394): SGKEALSAAL[Arg384Cys]SQNLTKSTEN